The following is an entry in ClinVar:

ClinVar aggregate classification (germline): Likely pathogenic. Review status: criteria provided, multiple submitters, no conflicts (2 of 4 stars). 2 submissions from 2 submitters: Likely pathogenic (2). Last evaluated 2024-04-17.

Conditions:
ALG1-congenital disorder of glycosylation. Also called: CDG Ik; ALG1-CDG; CONGENITAL DISORDER OF GLYCOSYLATION, TYPE Ik. Identifiers: Orphanet 79327, MedGen C2931005, MONDO:0012052, OMIM 608540.

Allele frequency attached by ClinVar (database versions not stated): TOPMed below 0.00001; ExAC 0.00001.
gnomAD v4.1: 8 of 1,611,972 alleles (0.0005%); highest among the groups gnomAD compares: East Asian, 0.0022%; no homozygotes.

Submissions (2):

Fulgent Genetics
Classification: Likely pathogenic for ALG1-congenital disorder of glycosylation. Last evaluated: 2024-04-17. Review status: criteria provided, single submitter. Criteria: ACMG Guidelines, 2015. Collection method: clinical testing. Allele origin: germline.

Labcorp Genetics (formerly Invitae), Labcorp
Classification: Likely pathogenic for ALG1-congenital disorder of glycosylation. Last evaluated: 2023-01-16. Review status: criteria provided, single submitter. Criteria: Invitae Variant Classification Sherloc (09022015). Collection method: clinical testing. Allele origin: germline.
Comment: This variant disrupts the p.Met382 amino acid residue in ALG1. Other variant(s) that disrupt this residue have been determined to be pathogenic (PMID: 22966035, 24157261). This suggests that this residue is clinically significant, and that variants that disrupt this residue are likely to be disease-causing. Advanced modeling of protein sequence and biophysical properties (such as structural, functional, and spatial information, amino acid conservation, physicochemical variation, residue mobility, and thermodynamic stability) performed at Invitae indicates that this missense variant is expected to disrupt ALG1 protein function. This missense change has been observed in individual(s) with congenital disorder of glycosylation (PMID: 33960646). In at least one individual the data is consistent with being in trans (on the opposite chromosome) from a pathogenic variant. This variant is present in population databases (rs756606180, gnomAD 0.0009%). This sequence change replaces methionine, which is neutral and non-polar, with valine, which is neutral and non-polar, at codon 382 of the ALG1 protein (p.Met382Val). In summary, the currently available evidence indicates that the variant is pathogenic, but additional data are needed to prove that conclusively. Therefore, this variant has been classified as Likely Pathogenic.

Literature cited by the submitters: PubMed 22966035 (cited by Labcorp Genetics (formerly Invitae), Labcorp); PubMed 24157261 (cited by Labcorp Genetics (formerly Invitae), Labcorp); PubMed 33960646 (cited by Labcorp Genetics (formerly Invitae), Labcorp).

NM_019109.5(ALG1):c.1144A>G (p.Met382Val)

Gene: ALG1 (ALG1 chitobiosyldiphosphodolichol beta-mannosyltransferase; plus strand). Cytogenetic location: 16p13.3.
Variant type: single nucleotide variant.
Coding change: c.1144A>G on transcript NM_019109.5 (MANE Select); coding-DNA position 1144, A replaced by G.
Protein change: p.Met382Val; replaces methionine 382 with valine.
Molecular consequence: missense variant.
Genome position (GRCh38, 1-based): chr16:5,082,630, A>G. VCF-style: chr16-5082630-A-G. GRCh37 (hg19) VCF-style: chr16-5132631-A-G.
Other names: c.811A>G, p.Met271Val (NM_001330504.2); short protein forms M382V, M271V.
Identifiers: ClinVar variation 3018852 (VCV003018852.4), dbSNP rs756606180, ClinGen allele CA7890238.